The following is an entry in ClinVar:

ClinVar aggregate classification (germline): Uncertain significance. Review status: criteria provided, single submitter (1 of 4 stars). 2 submissions from 2 submitters: Uncertain significance (1). 1 of the submissions does not count toward it. Last evaluated 2024-09-20.

Conditions:
SH2B3-related disorder. Also called: SH2B3-related condition.

Allele frequency attached by ClinVar (database versions not stated): TOPMed 0.00059; ExAC 0.00074; gnomAD 0.00085.
gnomAD v4.1: 1,663 of 1,516,032 alleles (0.11%); highest among the groups gnomAD compares: Non-Finnish European, 0.12%; 1 homozygote.

Submissions (2):

Mayo Clinic Laboratories, Mayo Clinic
Classification: Uncertain significance. Last evaluated: 2024-09-20. Review status: criteria provided, single submitter. Criteria: ACMG Guidelines, 2015. Collection method: clinical testing. Allele origin: germline. Observed: 91 variant alleles.
Comment: BP4

PreventionGenetics, part of Exact Sciences
Classification: Likely benign for SH2B3-related condition. Last evaluated: 2020-05-07. Review status: no assertion criteria provided. Collection method: clinical testing. Allele origin: germline. Not counted in ClinVar's aggregate classification.
Comment: This variant is classified as likely benign based on ACMG/AMP sequence variant interpretation guidelines (Richards et al. 2015 PMID: 25741868, with internal and published modifications).

Literature cited by the submitters: PubMed 27651169 (cited by Mayo Clinic Laboratories, Mayo Clinic).

NM_005475.3(SH2B3):c.232G>A (p.Glu78Lys)

Gene: SH2B3 (SH2B adaptor protein 3; plus strand). Cytogenetic location: 12q24.12.
Variant type: single nucleotide variant.
Coding change: c.232G>A on transcript NM_005475.3 (MANE Select); coding-DNA position 232, G replaced by A.
Protein change: p.Glu78Lys; replaces glutamic acid 78 with lysine.
Molecular consequence: missense variant.
Genome position (GRCh38, 1-based): chr12:111,418,377, G>A. VCF-style: chr12-111418377-G-A. GRCh37 (hg19) VCF-style: chr12-111856181-G-A.
Other names: p.Glu78Lys; short protein forms E78K.
Identifiers: ClinVar variation 3050076 (VCV003050076.3), dbSNP rs754838420, ClinGen allele CA6789640.